The following is an entry in ClinVar:

NM_000016.6(ACADM):c.383dup (p.Leu128fs)

Gene: ACADM (acyl-CoA dehydrogenase medium chain; plus strand). Cytogenetic location: 1p31.1.
Variant type: Duplication.
Coding change: c.383dup on transcript NM_000016.6 (MANE Select); coding-DNA position 383, one base duplicated (T; older notation c.383dupT).
Protein change: p.Leu128fs; shifts the reading frame from leucine 128.
Molecular consequence: frameshift variant. On other transcripts: intron variant (1).
Genome position (GRCh38, 1-based): chr1:75,733,624, T duplicated; the last of 3 consecutive T bases (chr1:75,733,622-75,733,624); duplicating any one gives the same sequence. VCF-style (leftmost placement, unchanged base first): chr1-75733621-C-CT. GRCh37 (hg19) VCF-style: chr1-76199306-C-CT.
Other names: c.395dup, p.Leu132fs (NM_001127328.3); c.275dup, p.Leu92fs (NM_001286042.2); c.482dup, p.Leu161fs (NM_001286043.2); c.-100+702dup (NM_001286044.2); c.383dupT (NM_000016.5); short protein forms L128fs, L132fs, L161fs, L92fs.
Identifiers: ClinVar variation 1453649 (VCV001453649.8), dbSNP rs1647189225, ClinGen allele CA1176718736.
Genomic context (GRCh38, chr1:75,733,621, plus strand): 5'-TAATTAGTGAAGAATTGGCTTATGGATGTACAGGGGTTCAGACTGCTATTGAAGGAAATT[C>CT]TTTGGGGGTAAGTGACTTAGAAAATTAACTACCTAACTCAGCTCTTGTTAATGAGATAGT-3'

ClinVar aggregate classification (germline): Pathogenic/Likely pathogenic. Review status: criteria provided, multiple submitters, no conflicts (2 of 4 stars). 3 submissions from 3 submitters: Pathogenic (1); Likely pathogenic (2). Last evaluated 2025-07-07.

Conditions:
Medium-chain acyl-coenzyme A dehydrogenase deficiency (ACADMD). Also called: MCADH DEFICIENCY; Medium chain acyl-CoA dehydrogenase deficiency; MCAD Deficiency; ACADM DEFICIENCY; MCADD; CARNITINE DEFICIENCY SECONDARY TO MEDIUM-CHAIN ACYL-CoA DEHYDROGENASE DEFICIENCY. Identifiers: Orphanet 42, MedGen C0220710, MONDO:0008721, OMIM 201450.

Submissions (3):

Natera, Inc.
Classification: Likely pathogenic for Medium Chain Acyl-CoA Dehydrogenase Deficiency. Last evaluated: 2025-07-07. Review status: criteria provided, single submitter. Criteria: Natera Variant Classification Schema (03/2026). Collection method: clinical testing. Allele origin: germline.
Comment: The c.383dupT variant in ACADM is a frameshift variant predicted to shift the reading frame beginning at codon 128 and leads to a stop codon 12 codons downstream. This variant is expected to result in nonsense mediated decay, truncation, or a dysfunctional protein product. This variant is rare in the general population with a frequency below the threshold expected for the associated phenotype(s). Given the available evidence, this variant is classified as Likely Pathogenic.

Labcorp Genetics (formerly Invitae), Labcorp
Classification: Pathogenic for Medium-chain acyl-coenzyme A dehydrogenase deficiency. Last evaluated: 2023-10-22. Review status: criteria provided, single submitter. Criteria: Invitae Variant Classification Sherloc (09022015). Collection method: clinical testing. Allele origin: germline.
Comment: This sequence change creates a premature translational stop signal (p.Leu128Phefs*12) in the ACADM gene. It is expected to result in an absent or disrupted protein product. Loss-of-function variants in ACADM are known to be pathogenic (PMID: 16121256, 20434380). This variant is not present in population databases (gnomAD no frequency). This variant has not been reported in the literature in individuals affected with ACADM-related conditions. ClinVar contains an entry for this variant (Variation ID: 1453649). For these reasons, this variant has been classified as Pathogenic.

Baylor Genetics
Classification: Likely pathogenic for Medium-chain acyl-coenzyme A dehydrogenase deficiency. Last evaluated: 2023-08-18. Review status: criteria provided, single submitter. Criteria: ACMG Guidelines, 2015. Collection method: clinical testing. Allele origin: unknown.

Literature cited by the submitters: PubMed 16121256 (cited by Labcorp Genetics (formerly Invitae), Labcorp); PubMed 20434380 (cited by Labcorp Genetics (formerly Invitae), Labcorp).